The following is an entry in ClinVar:

ClinVar aggregate classification (germline): Conflicting classifications of pathogenicity. Review status: criteria provided, conflicting classifications (1 of 4 stars). 2 submissions from 2 submitters: Likely pathogenic (1); Uncertain significance (1). Last evaluated 2026-01-14.

Conditions:
HYPERHOMOCYSTEINEMIA, THROMBOTIC, CBS-RELATED. Identifiers: MedGen C3150344, OMIM 236200.

Submissions (2):

GeneDx
Classification: Uncertain significance. Last evaluated: 2026-01-14. Review status: criteria provided, single submitter. Criteria: GeneDx Variant Classification Process June 2021. Collection method: clinical testing. Allele origin: germline. Affected: yes.
Comment: Not observed at significant frequency in large population cohorts (gnomAD); In silico analysis supports that this missense variant has a deleterious effect on protein structure/function; Has not been previously published as pathogenic or benign to our knowledge

Labcorp Genetics (formerly Invitae), Labcorp
Classification: Likely pathogenic for HYPERHOMOCYSTEINEMIA, THROMBOTIC, CBS-RELATED. Last evaluated: 2024-09-09. Review status: criteria provided, single submitter. Criteria: Invitae Variant Classification Sherloc (09022015). Collection method: clinical testing. Allele origin: germline.
Comment: This sequence change replaces serine, which is neutral and polar, with arginine, which is basic and polar, at codon 123 of the CBS protein (p.Ser123Arg). This variant is not present in population databases (gnomAD no frequency). This missense change has been observed in individual(s) with clinical features of homocystinuria (internal data). In at least one individual the data is consistent with being in trans (on the opposite chromosome) from a pathogenic variant. ClinVar contains an entry for this variant (Variation ID: 471362). Invitae Evidence Modeling of protein sequence and biophysical properties (such as structural, functional, and spatial information, amino acid conservation, physicochemical variation, residue mobility, and thermodynamic stability) indicates that this missense variant is expected to disrupt CBS protein function with a positive predictive value of 95%. In summary, the currently available evidence indicates that the variant is pathogenic, but additional data are needed to prove that conclusively. Therefore, this variant has been classified as Likely Pathogenic.

NM_000071.3(CBS):c.369C>A (p.Ser123Arg)

Gene: CBS (cystathionine beta-synthase; minus strand). Cytogenetic location: 21q22.3.
Variant type: single nucleotide variant.
Coding change: c.369C>A on transcript NM_000071.3 (MANE Select); coding-DNA position 369, C replaced by A.
Protein change: p.Ser123Arg; replaces serine 123 with arginine.
Molecular consequence: missense variant.
Genome position (GRCh38, 1-based): chr21:43,066,325, G>T on the plus strand (C>A on the coding strand, the complement: CBS is on the minus strand). VCF-style: chr21-43066325-G-T. GRCh37 (hg19) VCF-style: chr21-44486435-G-T.
Other names: c.369C>A, p.Ser123Arg (NM_001178008.3, NM_001178009.3, NM_001320298.2); c.54C>A, p.Ser18Arg (NM_001321072.1); short protein forms S123R, S18R.
Identifiers: ClinVar variation 471362 (VCV000471362.8), dbSNP rs1555875387, ClinGen allele CA410601850.